The following is an entry in ClinVar:

NM_001111125.3(IQSEC2):c.848G>C (p.Gly283Ala)

Gene: IQSEC2 (IQ motif and Sec7 domain ArfGEF 2; minus strand). Cytogenetic location: Xp11.22.
Variant type: single nucleotide variant.
Coding change: c.848G>C on transcript NM_001111125.3 (MANE Select); coding-DNA position 848, G replaced by C.
Protein change: p.Gly283Ala; replaces glycine 283 with alanine.
Molecular consequence: missense variant.
Genome position (GRCh38, 1-based): chrX:53,255,951, C>G on the plus strand (G>C on the coding strand, the complement: IQSEC2 is on the minus strand). VCF-style: chrX-53255951-C-G. GRCh37 (hg19) VCF-style: chrX-53285133-C-G.
Other names: c.233G>C, p.Gly78Ala (NM_015075.2); short protein forms G283A, G78A.
Identifiers: ClinVar variation 655920 (VCV000655920.9), dbSNP rs1241595562, ClinGen allele CA413171822.

ClinVar aggregate classification (germline): Uncertain significance (1 of 4 stars; one submission).

Conditions:
Intellectual developmental disorder, X-linked 1. Also called: MENTAL RETARDATION, X-LINKED 18; MENTAL RETARDATION, X-LINKED 78; Atkin Flaitz Patil Smith syndrome; Intellectual disability, X-linked 1. Identifiers: Orphanet 777, MedGen C2931498, MONDO:0010656, OMIM 309530.

Allele frequency attached by ClinVar (database versions not stated): TOPMed 0.00001.
gnomAD v4.1: 7 of 1,196,070 alleles (0.00059%); highest among the groups gnomAD compares: Non-Finnish European, 0.00079%; no homozygotes.

Submission:

Labcorp Genetics (formerly Invitae), Labcorp
Classification: Uncertain significance for Intellectual developmental disorder, X-linked 1. Last evaluated: 2022-07-25. Review status: criteria provided, single submitter. Criteria: Invitae Variant Classification Sherloc (09022015). Collection method: clinical testing. Allele origin: germline.
Comment: In summary, the available evidence is currently insufficient to determine the role of this variant in disease. Therefore, it has been classified as a Variant of Uncertain Significance. Advanced modeling of protein sequence and biophysical properties (such as structural, functional, and spatial information, amino acid conservation, physicochemical variation, residue mobility, and thermodynamic stability) performed at Invitae indicates that this missense variant is not expected to disrupt IQSEC2 protein function. ClinVar contains an entry for this variant (Variation ID: 655920). This variant has not been reported in the literature in individuals affected with IQSEC2-related conditions. This variant is not present in population databases (gnomAD no frequency). This sequence change replaces glycine, which is neutral and non-polar, with alanine, which is neutral and non-polar, at codon 283 of the IQSEC2 protein (p.Gly283Ala).